The following is an entry in ClinVar:

ClinVar aggregate classification (germline): Uncertain significance. Review status: criteria provided, multiple submitters, no conflicts (2 of 4 stars). 2 submissions from 2 submitters: Uncertain significance (2). Last evaluated 2026-01-28.

Conditions:
Inborn genetic diseases. Identifiers: MedGen C0950123, MeSH D030342.

Submissions (2):

GeneDx
Classification: Uncertain significance. Last evaluated: 2026-01-28. Review status: criteria provided, single submitter. Criteria: GeneDx Variant Classification Process June 2021. Collection method: clinical testing. Allele origin: germline.
Comment: Not observed at significant frequency in large population cohorts (gnomAD); In silico analysis supports that this missense variant has a deleterious effect on protein structure/function; Has not been previously published as pathogenic or benign to our knowledge

Ambry Genetics
Classification: Uncertain significance for Inborn genetic diseases. Last evaluated: 2022-06-17. Review status: criteria provided, single submitter. Criteria: Ambry Variant Classification Scheme 2023. Collection method: clinical testing. Allele origin: germline.

NM_015100.4(POGZ):c.1990G>A (p.Glu664Lys)

Gene: POGZ (pogo transposable element derived with ZNF domain; minus strand). Cytogenetic location: 1q21.3.
Variant type: single nucleotide variant.
Coding change: c.1990G>A on transcript NM_015100.4 (MANE Select); coding-DNA position 1990, G replaced by A.
Protein change: p.Glu664Lys; replaces glutamic acid 664 with lysine.
Molecular consequence: missense variant.
Genome position (GRCh38, 1-based): chr1:151,408,765, C>T on the plus strand (G>A on the coding strand, the complement: POGZ is on the minus strand). VCF-style: chr1-151408765-C-T. GRCh37 (hg19) VCF-style: chr1-151381241-C-T.
Other names: c.1831G>A, p.Glu611Lys (NM_207171.2); c.1963G>A, p.Glu655Lys (NM_001194937.2); c.1804G>A, p.Glu602Lys (NM_001194938.2); c.2011G>A, p.Glu671Lys (NM_001410860.1); c.1705G>A, p.Glu569Lys (NM_145796.4); short protein forms E611K, E602K, E664K, E671K, E569K, E655K.
Identifiers: ClinVar variation 2295636 (VCV002295636.3), dbSNP rs2529248304, ClinGen allele CA341959857.
Genomic context (GRCh38, chr1:151,408,765, plus strand): 5'-GTTTCAAGCCCTCCAGCTGCTTGGGTTTACGGAAGGTTTTATGGTGTTGAAGCTTGTGTT[C>T]AATTTTGTCCTTGGCAAAGAGAAACTGCAGCCGGCATTTGTTGCAGTGATAAACATTTCT-3'
Protein context (NP_055915.2, residues 654-674): LQFLFAKDKI[Glu664Lys]HKLQHHKTFR